The following is an entry in ClinVar:

ClinVar aggregate classification (germline): Benign/Likely benign. Review status: criteria provided, multiple submitters, no conflicts (2 of 4 stars). 11 submissions from 11 submitters: Benign (6); Likely benign (2). 3 of the submissions do not count toward it. Last evaluated 2026-08-01.

Conditions:
PLEC-related disorder. Also called: PLEC-related condition; PLEC-related disorders.
Epidermolysis bullosa simplex 5B, with muscular dystrophy (EBS5B). Also called: Epidermolysis bullosa simplex with muscular dystrophy; EPIDERMOLYSIS BULLOSA SIMPLEX AND LIMB-GIRDLE MUSCULAR DYSTROPHY. Identifiers: Orphanet 257, MedGen C2931072, MONDO:0009181, OMIM 226670.
Epidermolysis bullosa simplex with nail dystrophy (EBS5D). Identifiers: MedGen C4225309, MONDO:0014661, OMIM 616487.
Autosomal recessive limb-girdle muscular dystrophy type 2Q (LGMDR17). Also called: MUSCULAR DYSTROPHY, LIMB-GIRDLE, AUTOSOMAL RECESSIVE 17. Identifiers: Orphanet 254361, MedGen C3150989, MONDO:0013390, OMIM 613723.
Epidermolysis bullosa simplex 5C, with pyloric atresia (EBS5C). Also called: PLEC-Related Epidermolysis Bullosa with Pyloric Atresia; PLEC1-Related Epidermolysis Bullosa with Pyloric Atresia; Epidermolysis bullosa simplex with pyloric atresia. Identifiers: Orphanet 158684, MedGen C2677349, MONDO:0012807, OMIM 612138.
Junctional epidermolysis bullosa with pyloric atresia. Also called: EPIDERMOLYSIS BULLOSA, JUNCTIONAL 5B, WITH PYLORIC ATRESIA; Junctional Epidermolysis Bullosa- Pyloric Atresia Syndrome; Epidermolysis bullosa, junctional, with pyloric atresia and aplasia cutis congenita; Epidermolysis bullosa junctionalis with pyloric atresia; CARMI SYNDROME; EB-PA-ACC. Identifiers: Orphanet 79403, MedGen C5676875, MONDO:0009183, OMIM 226730.
Epidermolysis bullosa simplex, Ogna type (EBS5A). Also called: Pidermolysis bullosa simplex 5A, Ogna type; EPIDERMOLYSIS BULLOSA SIMPLEX 5A, OGNA TYPE. Identifiers: Orphanet 79401, MedGen C0432317, MONDO:0007555, OMIM 131950.

Allele frequency attached by ClinVar (database versions not stated): 1000 Genomes Project 30x 0.00328; 1000 Genomes Project 0.00359; TOPMed 0.00591; gnomAD 0.00603 and 0.00611; ESP Exome Variant Server 0.00666; gnomAD exomes 0.00702; ExAC 0.00731.
gnomAD v4.1: 12,025 of 1,612,624 alleles (0.75%); highest among the groups gnomAD compares: Non-Finnish European, 0.83%; 71 homozygotes.

Submissions (11):

CeGaT Center for Human Genetics Tuebingen
Classification: Likely benign. Last evaluated: 2026-08-01. Review status: criteria provided, single submitter. Criteria: CeGaT Center For Human Genetics Tuebingen Variant Classification Criteria Version 2. Collection method: clinical testing. Allele origin: germline. Affected: yes. Observed: 24 variant alleles.
Comment: PLEC: BP4, BP7, BS2

Labcorp Genetics (formerly Invitae), Labcorp
Classification: Benign for Autosomal recessive limb-girdle muscular dystrophy type 2Q; Epidermolysis bullosa simplex, Ogna type; Epidermolysis bullosa simplex with nail dystrophy; Epidermolysis bullosa simplex 5C, with pyloric atresia; Epidermolysis bullosa simplex 5B, with muscular dystrophy. Last evaluated: 2026-01-27. Review status: criteria provided, single submitter. Criteria: Invitae Variant Classification Sherloc (09022015). Collection method: clinical testing. Allele origin: germline.

Athena Diagnostics
Classification: Benign. Last evaluated: 2024-12-23. Review status: criteria provided, single submitter. Criteria: Athena Diagnostics Criteria. Collection method: clinical testing. Allele origin: unknown.
Comment: The frequency of this variant in the general population is higher than would generally be expected for pathogenic variants in this gene.

Fulgent Genetics
Classification: Likely benign for Epidermolysis bullosa simplex, Ogna type; Epidermolysis bullosa simplex 5B, with muscular dystrophy; Junctional epidermolysis bullosa with pyloric atresia; Epidermolysis bullosa simplex 5C, with pyloric atresia; Autosomal recessive limb-girdle muscular dystrophy type 2Q; Epidermolysis bullosa simplex with nail dystrophy. Last evaluated: 2021-09-14. Review status: criteria provided, single submitter. Criteria: ACMG Guidelines, 2015. Collection method: clinical testing. Allele origin: unknown.

Mayo Clinic Laboratories, Mayo Clinic
Classification: Benign. Last evaluated: 2018-05-10. Review status: criteria provided, single submitter. Criteria: ACMG Guidelines, 2015. Collection method: clinical testing. Allele origin: germline. Observed: 23 variant alleles.

GeneDx
Classification: Benign. Last evaluated: 2016-08-02. Review status: criteria provided, single submitter. Criteria: GeneDx Variant Classification (06012015). Collection method: clinical testing. Allele origin: germline. Affected: yes.
Comment: This variant is considered likely benign or benign based on one or more of the following criteria: it is a conservative change, it occurs at a poorly conserved position in the protein, it is predicted to be benign by multiple in silico algorithms, and/or has population frequency not consistent with disease.

Eurofins Ntd Llc (ga)
Classification: Benign. Last evaluated: 2015-07-02. Review status: criteria provided, single submitter. Criteria: EGL Classification Definitions 2015. Collection method: clinical testing. Allele origin: germline. Observed: 7 variant alleles, 7 heterozygotes.

Breakthrough Genomics
Classification: Benign. Review status: criteria provided, single submitter. Criteria: ACMG Guidelines, 2015. Collection method: not provided. Allele origin: germline. Inheritance: Autosomal recessive inheritance. Affected: yes.

PreventionGenetics, part of Exact Sciences
Classification: Benign for PLEC-related condition. Last evaluated: 2019-12-03. Review status: no assertion criteria provided. Collection method: clinical testing. Allele origin: germline. Not counted in ClinVar's aggregate classification.
Comment: This variant is classified as benign based on ACMG/AMP sequence variant interpretation guidelines (Richards et al. 2015 PMID: 25741868, with internal and published modifications).

Clinical Genetics, Academic Medical Center
Classification: Likely benign. Review status: no assertion criteria provided. Collection method: clinical testing. Allele origin: germline. Affected: yes. Study: VKGL Data-share Consensus. Not counted in ClinVar's aggregate classification.

Laboratory of Diagnostic Genome Analysis, Leiden University Medical Center (LUMC)
Classification: Likely benign. Review status: no assertion criteria provided. Collection method: clinical testing. Allele origin: germline. Affected: yes. Study: VKGL Data-share Consensus. Not counted in ClinVar's aggregate classification.

NM_201384.3(PLEC):c.2961C>T (p.Ser987=)

Gene: PLEC (plectin; minus strand). Cytogenetic location: 8q24.3.
Variant type: single nucleotide variant.
Coding change: c.2961C>T on transcript NM_201384.3 (MANE Select); coding-DNA position 2961, C replaced by T.
Protein change: p.Ser987=; no amino-acid change (serine 987 retained).
Molecular consequence: synonymous variant.
Genome position (GRCh38, 1-based): chr8:143,929,534, G>A on the plus strand (C>T on the coding strand, the complement: PLEC is on the minus strand). VCF-style: chr8-143929534-G-A. GRCh37 (hg19) VCF-style: chr8-145003702-G-A.
Other names: p.Ser973=; c.3042C>T, p.Ser1014= (NM_000445.5); c.2919C>T, p.Ser973= (NM_201378.4); c.2895C>T, p.Ser965= (NM_201379.3); c.3372C>T, p.Ser1124= (NM_201380.4); c.2865C>T, p.Ser955= (NM_201381.3); c.2961C>T, p.Ser987= (NM_201382.4); c.2973C>T, p.Ser991= (NM_201383.3).
Identifiers: ClinVar variation 195856 (VCV000195856.45), dbSNP rs149932255, ClinGen allele CA201966.
Genomic context (GRCh38, chr8:143,929,534, plus strand): 5'-CAGGCGGTGCACGGTGCGCGTCTCACAGGCCTCCAGCTGCAGCCGGATGTCTTTGAGCTC[G>A]GAGATGCAGCGCTGGCAGCGAGACTCTTCCTGTGCACCTGGGGAACACATGTGGGTCACT-3'
Protein context (NP_958786.1, residues 977-997): QEESRCQRCI[Ser987=]ELKDIRLQLE